The following is an entry in ClinVar:

ClinVar aggregate classification (germline): Uncertain significance. Review status: criteria provided, multiple submitters, no conflicts (2 of 4 stars). 4 submissions from 3 submitters: Uncertain significance (4). Last evaluated 2024-08-15.

Conditions:
Cardiovascular phenotype. Identifiers: MedGen CN230736.
Catecholaminergic polymorphic ventricular tachycardia 1. Also called: VENTRICULAR TACHYCARDIA, CATECHOLAMINERGIC POLYMORPHIC, 1, WITH OR WITHOUT ATRIAL DYSFUNCTION AND/OR DILATED CARDIOMYOPATHY; VENTRICULAR TACHYCARDIA, STRESS-INDUCED POLYMORPHIC 1; RYR2-Related Catecholaminergic Polymorphic Ventricular Tachycardia. Identifiers: Orphanet 3286, MedGen C1631597, MONDO:0011484, OMIM 604772.
Arrhythmogenic right ventricular dysplasia 2. Identifiers: MedGen C1832931.

Submissions (4):

Labcorp Genetics (formerly Invitae), Labcorp
Classification: Uncertain significance for Catecholaminergic polymorphic ventricular tachycardia 1. Last evaluated: 2024-08-15. Review status: criteria provided, single submitter. Criteria: Invitae Variant Classification Sherloc (09022015). Collection method: clinical testing. Allele origin: germline.
Comment: This sequence change falls in intron 43 of the RYR2 gene. It does not directly change the encoded amino acid sequence of the RYR2 protein. It affects a nucleotide within the consensus splice site. This variant is not present in population databases (gnomAD no frequency). This variant has not been reported in the literature in individuals affected with RYR2-related conditions. ClinVar contains an entry for this variant (Variation ID: 296731). Variants that disrupt the consensus splice site are a relatively common cause of aberrant splicing (PMID: 17576681, 9536098). Algorithms developed to predict the effect of sequence changes on RNA splicing suggest that this variant is not likely to affect RNA splicing. In summary, the available evidence is currently insufficient to determine the role of this variant in disease. Therefore, it has been classified as a Variant of Uncertain Significance.

Ambry Genetics
Classification: Uncertain significance for Cardiovascular phenotype. Last evaluated: 2021-09-27. Review status: criteria provided, single submitter. Criteria: Ambry Variant Classification Scheme 2023. Collection method: clinical testing. Allele origin: germline.
Comment: The c.6689-3T>A intronic variant results from a T to A substitution 3 nucleotides upstream from coding exon 44 in the RYR2 gene. This nucleotide position is poorly conserved in available vertebrate species. In silico splice site analysis predicts that this alteration will not have any significant effect on splicing. Since supporting evidence is limited at this time, the clinical significance of this alteration remains unclear.

Illumina Laboratory Services, Illumina
Classification: Uncertain significance for Catecholaminergic polymorphic ventricular tachycardia 1. Last evaluated: 2018-01-13. Review status: criteria provided, single submitter. Criteria: ICSL Variant Classification Criteria 13 December 2019. Collection method: clinical testing. Allele origin: germline.

Illumina Laboratory Services, Illumina
Classification: Uncertain significance for Catecholaminergic polymorphic ventricular tachycardia 1. Last evaluated: 2018-01-13. Review status: criteria provided, single submitter. Criteria: ICSL Variant Classification Criteria 13 December 2019. Collection method: clinical testing. Allele origin: germline.

Literature cited by the submitters: PubMed 17576681 (cited by Labcorp Genetics (formerly Invitae), Labcorp); PubMed 9536098 (cited by Labcorp Genetics (formerly Invitae), Labcorp).

NM_001035.3(RYR2):c.6689-3T>A

Gene: RYR2 (ryanodine receptor 2; plus strand). Cytogenetic location: 1q43.
Variant type: single nucleotide variant.
Coding change: c.6689-3T>A on transcript NM_001035.3 (MANE Select); 3 bases into the intron before coding-DNA position 6689, T replaced by A.
Molecular consequence: intron variant.
Genome position (GRCh38, 1-based): chr1:237,634,886, T>A. VCF-style: chr1-237634886-T-A. GRCh37 (hg19) VCF-style: chr1-237798186-T-A.
Other names: c.6689-3T>A (LRG_402t1).
Identifiers: ClinVar variation 296731 (VCV000296731.9), dbSNP rs886046272, ClinGen allele CA10609775.